The following is an entry in ClinVar:

NM_194454.3(KRIT1):c.730-5T>A

Gene: KRIT1 (KRIT1 ankyrin repeat containing; minus strand). Cytogenetic location: 7q21.2.
Variant type: single nucleotide variant.
Coding change: c.730-5T>A on transcript NM_194454.3 (MANE Select); 5 bases into the intron before coding-DNA position 730, T replaced by A.
Molecular consequence: intron variant.
Genome position (GRCh38, 1-based): chr7:92,234,928, A>T on the plus strand (T>A on the coding strand, the complement: KRIT1 is on the minus strand). VCF-style: chr7-92234928-A-T. GRCh37 (hg19) VCF-style: chr7-91864242-A-T.
Other names: NC_000007.13:g.91864242A>T; c.730-5T>A (NM_001350672.1, NM_001350676.1, NM_001350673.1 and 29 more transcripts); c.16-5T>A (NM_001350671.1).
Identifiers: ClinVar variation 3116289 (VCV003116289.2), dbSNP rs769363711, ClinGen allele CA4339312.

ClinVar aggregate classification (germline): Uncertain significance (1 of 4 stars; one submission).

Conditions:
Inborn genetic diseases. Identifiers: MedGen C0950123, MeSH D030342.

Allele frequency attached by ClinVar (database versions not stated): gnomAD exomes below 0.00001; ExAC 0.00001.
gnomAD v4.1: 1 of 1,320,416 alleles (0.000076%); highest among the groups gnomAD compares: Non-Finnish European, 0.00011%; no homozygotes.

Submissions (2):

Ambry Genetics
Classification: Uncertain significance for Inborn genetic diseases. Last evaluated: 2024-01-02. Review status: criteria provided, single submitter. Criteria: Ambry Variant Classification Scheme 2023. Collection method: clinical testing. Allele origin: germline.
Comment: The c.730-5T>A intronic alteration results from a T to A substitution 5 nucleotides before coding exon 6 of the KRIT1 gene. Based on data from gnomAD, the A allele has an overall frequency of <0.001% (1/251086) total alleles studied. The highest observed frequency was 0.001% (1/113642) of European (non-Finnish) alleles. This nucleotide position is well conserved in available vertebrate species. In silico splice site analysis predicts that this alteration may weaken the native splice acceptor site. Based on insufficient or conflicting evidence, the clinical significance of this alteration remains unclear.

Dr. Peter K. Rogan Lab, Western University
No classification provided (evidence only). Condition: Familial cancer of breast. Review status: no classification provided. Collection method: in vitro. Allele origin: not applicable. Functional consequence: skipped exon. Not counted in ClinVar's aggregate classification.